The following is an entry in ClinVar:

NC_000022.11:g.(?_28687887)_(28699947_?)del

Gene: CHEK2 (checkpoint kinase 2; minus strand). Cytogenetic location: 22q12.1.
Variant type: Deletion.
Identifiers: ClinVar variation 830525 (VCV000830525.2).

ClinVar aggregate classification (germline): Pathogenic (1 of 4 stars; one submission).

Conditions:
Familial cancer of breast. Also called: BREAST CANCER, FAMILIAL; Hereditary breast cancer; hereditary breast carcinoma. Identifiers: Orphanet 227535, MedGen C0346153, MONDO:0016419, OMIM 114480. Disease mechanism: loss of function.

Submission:

Labcorp Genetics (formerly Invitae), Labcorp
Classification: Pathogenic for Hereditary Breast Carcinoma. Last evaluated: 2019-07-17. Review status: criteria provided, single submitter. Criteria: Invitae Variant Classification Sherloc (09022015). Collection method: clinical testing. Allele origin: germline.
Comment: This variant is a gross deletion of the genomic region encompassing exons 9-15 of the CHEK2 gene. The 5' boundary is likely confined to intron 8. The 3' end of this event is unknown as it extends through the termination codon beyond the assayed region for this gene and may encompass additional genes. While this deletion is not anticipated to result in nonsense mediated decay, it is expected to create a truncated protein product or disrupt mRNA translation. This variant has not been reported in the literature in individuals with CHEK2-related disease. This deletion (p.Met304_Leu543del) partially removes the kinase domain (residues 226-486) and nuclear localization signal (NLS, residues 515-522), which are important for normal CHEK2 protein function (PMID: 11733767, 15279791, 19782031, 12909615, 18004398, 24879340). Smaller in-frame deletions and truncations in this region have been determined to be pathogenic (Invitae), suggesting that deletion of this region of the CHEK2 protein is causative of disease. For these reasons, this variant has been classified as Pathogenic.

Literature cited by the submitters: PubMed 18004398; PubMed 19782031; PubMed 15279791; PubMed 24879340; PubMed 12909615; PubMed 11733767.